The following is an entry in ClinVar:

NM_001042492.3(NF1):c.7295A>G (p.Asn2432Ser)

Gene: NF1 (neurofibromin 1; plus strand). Cytogenetic location: 17q11.2.
Variant type: single nucleotide variant.
Coding change: c.7295A>G on transcript NM_001042492.3 (MANE Select); coding-DNA position 7295, A replaced by G.
Protein change: p.Asn2432Ser; replaces asparagine 2432 with serine.
Molecular consequence: missense variant.
Genome position (GRCh38, 1-based): chr17:31,349,225, A>G. VCF-style: chr17-31349225-A-G. GRCh37 (hg19) VCF-style: chr17-29676243-A-G.
Other names: c.7232A>G, p.Asn2411Ser (NM_000267.4); short protein forms N2411S, N2432S.
Identifiers: ClinVar variation 1019808 (VCV001019808.7), dbSNP rs2070077965, ClinGen allele CA399016875.

ClinVar aggregate classification (germline): Uncertain significance. Review status: criteria provided, multiple submitters, no conflicts (2 of 4 stars). 2 submissions from 2 submitters: Uncertain significance (2). Last evaluated 2023-03-31.

Conditions:
Cardiovascular phenotype. Identifiers: MedGen CN230736.
Hereditary cancer-predisposing syndrome. Also called: Hereditary neoplastic syndrome; Neoplastic Syndromes, Hereditary; Tumor predisposition; Hereditary Cancer Syndrome. Identifiers: Orphanet 140162, MedGen C0027672, MeSH D009386, MONDO:0015356.
Neurofibromatosis, type 1 (NF1). Also called: Peripheral type neurofibromatosis; Neurofibromatosis, type I; VON RECKLINGHAUSEN DISEASE; NEUROFIBROMATOSIS, TYPE I, SOMATIC. Identifiers: Orphanet 636, MedGen C0027831, MONDO:0018975, OMIM 162200. Disease mechanism: loss of function.

Submissions (2):

Labcorp Genetics (formerly Invitae), Labcorp
Classification: Uncertain significance for Neurofibromatosis, type 1. Last evaluated: 2023-03-31. Review status: criteria provided, single submitter. Criteria: Invitae Variant Classification Sherloc (09022015). Collection method: clinical testing. Allele origin: germline.
Comment: ClinVar contains an entry for this variant (Variation ID: 1019808). In summary, the available evidence is currently insufficient to determine the role of this variant in disease. Therefore, it has been classified as a Variant of Uncertain Significance. Algorithms developed to predict the effect of sequence changes on RNA splicing suggest that this variant may create or strengthen a splice site. Advanced modeling of protein sequence and biophysical properties (such as structural, functional, and spatial information, amino acid conservation, physicochemical variation, residue mobility, and thermodynamic stability) performed at Invitae indicates that this missense variant is not expected to disrupt NF1 protein function. This variant has not been reported in the literature in individuals affected with NF1-related conditions. This variant is not present in population databases (gnomAD no frequency). This sequence change replaces asparagine, which is neutral and polar, with serine, which is neutral and polar, at codon 2411 of the NF1 protein (p.Asn2411Ser).

Ambry Genetics
Classification: Uncertain significance for Cardiovascular phenotype; Hereditary cancer-predisposing syndrome. Last evaluated: 2021-11-30. Review status: criteria provided, single submitter. Criteria: Ambry Variant Classification Scheme 2023. Collection method: clinical testing. Allele origin: germline.
Comment: The p.N2411S variant (also known as c.7232A>G), located in coding exon 48 of the NF1 gene, results from an A to G substitution at nucleotide position 7232. The asparagine at codon 2411 is replaced by serine, an amino acid with highly similar properties. This amino acid position is highly conserved in available vertebrate species. In addition, this alteration is predicted to be tolerated by in silico analysis. Since supporting evidence is limited at this time, the clinical significance of this alteration remains unclear.